The following is an entry in ClinVar:

ClinVar aggregate classification (germline): Uncertain significance (1 of 4 stars; one submission).

Conditions:
Cardiomyopathy (CMYO). Also called: Cardiomyopathies. Identifiers: Orphanet 167848, MedGen C0878544, MONDO:0004994, HP:0001638. Inheritance: Various modes of inheritance.

gnomAD v4.1: 1 of 1,613,954 alleles (0.000062%); highest among the groups gnomAD compares: Non-Finnish European, 0.000085%; no homozygotes.

Submission:

Color Diagnostics, LLC DBA Color Health
Classification: Uncertain significance for Cardiomyopathy. Last evaluated: 2022-05-10. Review status: criteria provided, single submitter. Criteria: ACMG Guidelines, 2015. Collection method: clinical testing. Allele origin: germline.
Comment: This missense variant replaces serine with cysteine at codon 151 of the PRKAG2 protein. Computational prediction suggests that this variant may not impact protein structure and function (internally defined REVEL score threshold <= 0.5, PMID: 27666373). To our knowledge, functional studies have not been reported for this variant. This variant has been reported in an individual affected with sudden cardiac death (PMID: 27332903). This variant has not been identified in the general population by the Genome Aggregation Database (gnomAD). The available evidence is insufficient to determine the role of this variant in disease conclusively. Therefore, this variant is classified as a Variant of Uncertain Significance.

Literature cited by the submitters: PubMed 27332903.

NM_016203.4(PRKAG2):c.452C>G (p.Ser151Cys)

Gene: PRKAG2 (protein kinase AMP-activated non-catalytic subunit gamma 2; minus strand). Cytogenetic location: 7q36.1.
Variant type: single nucleotide variant.
Coding change: c.452C>G on transcript NM_016203.4 (MANE Select); coding-DNA position 452, C replaced by G.
Protein change: p.Ser151Cys; replaces serine 151 with cysteine.
Molecular consequence: missense variant. On other transcripts: intron variant (1).
Genome position (GRCh38, 1-based): chr7:151,781,166, G>C on the plus strand (C>G on the coding strand, the complement: PRKAG2 is on the minus strand). VCF-style: chr7-151781166-G-C. GRCh37 (hg19) VCF-style: chr7-151478252-G-C.
Other names: c.320C>G, p.Ser107Cys (NM_001040633.2, NM_001407024.1, NM_001407026.1 and 2 more transcripts); c.452C>G, p.Ser151Cys (NM_001407021.1, NM_001407022.1, NM_001407023.1 and 2 more transcripts); c.148+33250C>G (NM_001407032.1); short protein forms S107C, S151C.
Identifiers: ClinVar variation 2774171 (VCV002774171.2), dbSNP rs1462809883, ClinGen allele CA370069193.
Genomic context (GRCh38, chr7:151,781,166, plus strand): 5'-CCCAGCACCCCAGCACCCACCTGAAACAATAGCATCAAGGTCTTACTTTTTCTGGAGCGG[G>C]AGAAAAACCTGATGCCCCCGGGCGAGGTAGCAGGGTTGGAGTTGGGGGAAGACTCTTTGG-3'
Protein context (NP_057287.2, residues 141-161): ATSPGGIRFF[Ser151Cys]RSRKTSGLSS